The following is an entry in ClinVar:

ClinVar aggregate classification (germline): Uncertain significance (1 of 4 stars; one submission).

Allele frequency attached by ClinVar (database versions not stated): gnomAD 0.00001; TOPMed 0.00001.
gnomAD v4.1: 2 of 1,612,602 alleles (0.00012%); highest among the groups gnomAD compares: Admixed American, 0.0017%; no homozygotes.

Submission:

Labcorp Genetics (formerly Invitae), Labcorp
Classification: Uncertain significance. Last evaluated: 2022-06-09. Review status: criteria provided, single submitter. Criteria: Invitae Variant Classification Sherloc (09022015). Collection method: clinical testing. Allele origin: germline.
Comment: This sequence change replaces tyrosine, which is neutral and polar, with histidine, which is basic and polar, at codon 82 of the CFAP410 protein (p.Tyr82His). This variant is not present in population databases (gnomAD no frequency). This variant has not been reported in the literature in individuals affected with CFAP410-related conditions. Algorithms developed to predict the effect of missense changes on protein structure and function output the following: SIFT: "Tolerated"; PolyPhen-2: "Benign"; Align-GVGD: "Class C0". The histidine amino acid residue is found in multiple mammalian species, which suggests that this missense change does not adversely affect protein function. In summary, the available evidence is currently insufficient to determine the role of this variant in disease. Therefore, it has been classified as a Variant of Uncertain Significance.

NM_004928.3(CFAP410):c.244T>C (p.Tyr82His)

Gene: CFAP410 (cilia and flagella associated protein 410; minus strand). Cytogenetic location: 21q22.3.
Variant type: single nucleotide variant.
Coding change: c.244T>C on transcript NM_004928.3 (MANE Select); coding-DNA position 244, T replaced by C.
Protein change: p.Tyr82His; replaces tyrosine 82 with histidine.
Molecular consequence: missense variant.
Genome position (GRCh38, 1-based): chr21:44,333,162, A>G on the plus strand (T>C on the coding strand, the complement: CFAP410 is on the minus strand). VCF-style: chr21-44333162-A-G. GRCh37 (hg19) VCF-style: chr21-45753045-A-G.
Other names: c.244T>C, p.Tyr82His (NM_001271440.2, NM_001271441.2); c.121T>C, p.Tyr41His (NM_001271442.1); short protein forms Y41H, Y82H.
Identifiers: ClinVar variation 2419230 (VCV002419230.3), dbSNP rs755673924, ClinGen allele CA410457021.